The following is an entry in ClinVar:

ClinVar aggregate classification (germline): Pathogenic (1 of 4 stars; one submission).

Conditions:
Familial thoracic aortic aneurysm and aortic dissection (TAAD). Also called: Thoracic aortic aneurysms and dissections. Identifiers: Orphanet 91387, MedGen C4707243, MONDO:0019625.

Submission:

Ambry Genetics
Classification: Pathogenic for Familial thoracic aortic aneurysm and aortic dissection. Last evaluated: 2016-09-28. Review status: criteria provided, single submitter. Criteria: Ambry Variant Classification Scheme 2023. Collection method: clinical testing. Allele origin: germline.
Comment: The c.2899_2900dupTG pathogenic mutation, located in coding exon 24 of the FBN1 gene, results from a duplication of TG at nucleotide position 2899, causing a translational frameshift with a predicted alternate stop codon (p.T968Afs*32). This alteration is expected to result in loss of function by premature protein truncation or nonsense-mediated mRNA decay. As such, this alteration is interpreted as a disease-causing mutation.

NM_000138.5(FBN1):c.2899_2900dup (p.Thr968fs)

Gene: FBN1 (fibrillin 1; minus strand). Cytogenetic location: 15q21.1.
Variant type: Duplication.
Coding change: c.2899_2900dup on transcript NM_000138.5 (MANE Select); coding-DNA positions 2899 to 2900, 2 bases duplicated (TG; older notation c.2899_2900dupTG).
Protein change: p.Thr968fs; shifts the reading frame from threonine 968.
Molecular consequence: frameshift variant.
Genome position (GRCh38, 1-based): chr15:48,490,033-48,490,034, CA duplicated on the plus strand (TG on the coding strand, the reverse complement: FBN1 is on the minus strand); duplicating any 2 consecutive bases within chr15:48,490,033-48,490,035 gives the same sequence; the c. name uses the placement nearest the transcript's 3' end. VCF-style (leftmost placement, unchanged base first): chr15-48490032-G-GCA. GRCh37 (hg19) VCF-style: chr15-48782229-G-GCA.
Other names: c.2899_2900dupTG (NM_000138.4); short protein forms T968fs.
Identifiers: ClinVar variation 519738 (VCV000519738.5), dbSNP rs1555398828, ClinGen allele CA658798373.